The following is an entry in ClinVar:

ClinVar aggregate classification (germline): Uncertain significance (1 of 4 stars; one submission).

Allele frequency attached by ClinVar (database versions not stated): TOPMed 0.00001; gnomAD 0.00002.
gnomAD v4.1: 4 of 1,545,688 alleles (0.00026%); highest among the groups gnomAD compares: African/African-American, 0.0055%; no homozygotes.

Submission:

Athena Diagnostics
Classification: Uncertain significance. Last evaluated: 2023-07-24. Review status: criteria provided, single submitter. Criteria: Athena Diagnostics Criteria. Collection method: clinical testing. Allele origin: unknown.
Comment: Available data are insufficient to determine the clinical significance of the variant at this time. The frequency of this variant in the general population is uninformative in assessment of its pathogenicity. Computational tools predict that this variant is not damaging.

NM_182961.4(SYNE1):c.902G>A (p.Gly301Asp)

Gene: SYNE1 (spectrin repeat containing nuclear envelope protein 1; minus strand). Cytogenetic location: 6q25.2.
Variant type: single nucleotide variant.
Coding change: c.902G>A on transcript NM_182961.4 (MANE Select); coding-DNA position 902, G replaced by A.
Protein change: p.Gly301Asp; replaces glycine 301 with aspartic acid.
Molecular consequence: missense variant.
Genome position (GRCh38, 1-based): chr6:152,498,779, C>T on the plus strand (G>A on the coding strand, the complement: SYNE1 is on the minus strand). VCF-style: chr6-152498779-C-T. GRCh37 (hg19) VCF-style: chr6-152819914-C-T.
Other names: c.923G>A, p.Gly308Asp (NM_033071.5); short protein forms G301D, G308D.
Identifiers: ClinVar variation 2684067 (VCV002684067.1), dbSNP rs1316285275, ClinGen allele CA366147409.